The following is an entry in ClinVar:

ClinVar aggregate classification (germline): Uncertain significance (1 of 4 stars; one submission).

Conditions:
Pyogenic bacterial infections due to MyD88 deficiency (IMD68). Also called: PYOGENIC BACTERIAL INFECTIONS, RECURRENT, DUE TO MYD88 DEFICIENCY. Identifiers: Orphanet 183713, MedGen C2677092, MONDO:0012839, OMIM 612260.

Allele frequency attached by ClinVar (database versions not stated): TOPMed 0.00001; gnomAD exomes 0.00002 and below 0.00001; ExAC 0.00001.
gnomAD v4.1: 1 of 1,613,878 alleles (0.000062%); highest among the groups gnomAD compares: East Asian, 0.0022%; no homozygotes.

Submission:

Labcorp Genetics (formerly Invitae), Labcorp
Classification: Uncertain significance for Pyogenic bacterial infections due to MyD88 deficiency. Last evaluated: 2022-02-04. Review status: criteria provided, single submitter. Criteria: Invitae Variant Classification Sherloc (09022015). Collection method: clinical testing. Allele origin: germline.
Comment: This sequence change replaces glutamic acid, which is acidic and polar, with lysine, which is basic and polar, at codon 66 of the MYD88 protein (p.Glu66Lys). This variant is present in population databases (rs765198848, gnomAD 0.02%). This variant has not been reported in the literature in individuals affected with MYD88-related conditions. Algorithms developed to predict the effect of missense changes on protein structure and function (SIFT, PolyPhen-2, Align-GVGD) all suggest that this variant is likely to be tolerated. In summary, the available evidence is currently insufficient to determine the role of this variant in disease. Therefore, it has been classified as a Variant of Uncertain Significance.

NM_002468.5(MYD88):c.157G>A (p.Glu53Lys)

Gene: MYD88 (MYD88 innate immune signal transduction adaptor; plus strand). Cytogenetic location: 3p22.2.
Variant type: single nucleotide variant.
Coding change: c.157G>A on transcript NM_002468.5 (MANE Select); coding-DNA position 157, G replaced by A.
Protein change: p.Glu53Lys; replaces glutamic acid 53 with lysine.
Molecular consequence: missense variant.
Genome position (GRCh38, 1-based): chr3:38,138,857, G>A. VCF-style: chr3-38138857-G-A. GRCh37 (hg19) VCF-style: chr3-38180348-G-A.
Other names: c.157G>A, p.Glu53Lys (NM_001374787.1, NM_001172566.2, NM_001172567.2 and 4 more transcripts); short protein forms E53K.
Identifiers: ClinVar variation 1450408 (VCV001450408.5), dbSNP rs765198848, ClinGen allele CA2316043.
Genomic context (GRCh38, chr3:38,138,857, plus strand): 5'-CTGTCTCTGTTCTTGAACGTGCGGACACAGGTGGCGGCCGACTGGACCGCGCTGGCGGAG[G>A]AGATGGACTTTGAGTACTTGGAGATCCGGCAACTGGAGACACAAGCGGACCCCACTGGCA-3'
Protein context (NP_002459.3, residues 43-63): VAADWTALAE[Glu53Lys]MDFEYLEIRQ